The following is an entry in ClinVar:

NM_138459.5(NUS1):c.158G>A (p.Gly53Asp)

Gene: NUS1 (NUS1 dehydrodolichyl diphosphate synthase subunit; plus strand). Cytogenetic location: 6q22.1.
Variant type: single nucleotide variant.
Coding change: c.158G>A on transcript NM_138459.5 (MANE Select); coding-DNA position 158, G replaced by A.
Protein change: p.Gly53Asp; replaces glycine 53 with aspartic acid.
Molecular consequence: missense variant.
Genome position (GRCh38, 1-based): chr6:117,675,828, G>A. VCF-style: chr6-117675828-G-A. GRCh37 (hg19) VCF-style: chr6-117996991-G-A.
Other names: short protein forms G53D.
Identifiers: ClinVar variation 2419108 (VCV002419108.30), dbSNP rs1379290530, ClinGen allele CA365536021.
Genomic context (GRCh38, chr6:117,675,828, plus strand): 5'-GGAACTGGATCTGGCGGCGCTGCTGCCGCGCCGCCTCTGCCGCGGTCCTAGCGCCGCTCG[G>A]CTTCACGCTCCGCAAGCCCCCGGCAGTCGGCAGGAACCGCCGTCACCACCGGCACCCGCG-3'
Protein context (NP_612468.1, residues 43-63): AASAAVLAPL[Gly53Asp]FTLRKPPAVG

ClinVar aggregate classification (germline): Uncertain significance. Review status: criteria provided, multiple submitters, no conflicts (2 of 4 stars). 2 submissions from 2 submitters: Uncertain significance (2). Last evaluated 2024-12-02.

Conditions:
Congenital disorder of glycosylation, type Iaa. Also called: Congenital disorder of glycosylation, type 1aa. Identifiers: MedGen C4310727, MONDO:0014904, OMIM 617082.

Allele frequency attached by ClinVar (database versions not stated): gnomAD 0.00001; TOPMed 0.00001.
gnomAD v4.1: 11 of 1,548,100 alleles (0.00071%); highest among the groups gnomAD compares: Non-Finnish European, 0.00087%; no homozygotes.

Submissions (2):

Labcorp Genetics (formerly Invitae), Labcorp
Classification: Uncertain significance for Congenital disorder of glycosylation, type Iaa. Last evaluated: 2024-12-02. Review status: criteria provided, single submitter. Criteria: Invitae Variant Classification Sherloc (09022015). Collection method: clinical testing. Allele origin: germline.
Comment: This sequence change replaces glycine, which is neutral and non-polar, with aspartic acid, which is acidic and polar, at codon 53 of the NUS1 protein (p.Gly53Asp). This variant is present in population databases (no rsID available, gnomAD 0.009%). This variant has not been reported in the literature in individuals affected with NUS1-related conditions. ClinVar contains an entry for this variant (Variation ID: 2419108). An algorithm developed to predict the effect of missense changes on protein structure and function (PolyPhen-2) suggests that this variant is likely to be tolerated. In summary, the available evidence is currently insufficient to determine the role of this variant in disease. Therefore, it has been classified as a Variant of Uncertain Significance.

CeGaT Center for Human Genetics Tuebingen
Classification: Uncertain significance. Last evaluated: 2022-12-01. Review status: criteria provided, single submitter. Criteria: CeGaT Center For Human Genetics Tuebingen Variant Classification Criteria Version 2. Collection method: clinical testing. Allele origin: germline. Affected: yes. Observed: 1 variant allele.
Comment: NUS1: PP2